The following is an entry in ClinVar:

NM_006397.3(RNASEH2A):c.236T>C (p.Leu79Pro)

Gene: RNASEH2A (ribonuclease H2 subunit A; plus strand). Cytogenetic location: 19p13.13.
Variant type: single nucleotide variant.
Coding change: c.236T>C on transcript NM_006397.3 (MANE Select); coding-DNA position 236, T replaced by C.
Protein change: p.Leu79Pro; replaces leucine 79 with proline.
Molecular consequence: missense variant.
Genome position (GRCh38, 1-based): chr19:12,807,242, T>C. VCF-style: chr19-12807242-T-C. GRCh37 (hg19) VCF-style: chr19-12918056-T-C.
Other names: p.Leu79Pro; short protein forms L79P.
Identifiers: ClinVar variation 3380584 (VCV003380584.2).

ClinVar aggregate classification (germline): Uncertain significance (1 of 4 stars; one submission).

gnomAD v4.1: 5 of 1,614,140 alleles (0.00031%); highest among the groups gnomAD compares: Non-Finnish European, 0.00042%; no homozygotes.

Submission:

Mayo Clinic Laboratories, Mayo Clinic
Classification: Uncertain significance. Last evaluated: 2024-11-02. Review status: criteria provided, single submitter. Criteria: ACMG Guidelines, 2015. Collection method: clinical testing. Allele origin: germline. Observed: 1 variant allele.
Comment: PP3_strong, PM2_supporting